The following is an entry in ClinVar:

NM_004369.4(COL6A3):c.7466C>T (p.Thr2489Ile)

Gene: COL6A3 (collagen type VI alpha 3 chain; minus strand). Cytogenetic location: 2q37.3.
Variant type: single nucleotide variant.
Coding change: c.7466C>T on transcript NM_004369.4 (MANE Select); coding-DNA position 7466, C replaced by T.
Protein change: p.Thr2489Ile; replaces threonine 2489 with isoleucine.
Molecular consequence: missense variant.
Genome position (GRCh38, 1-based): chr2:237,344,552, G>A on the plus strand (C>T on the coding strand, the complement: COL6A3 is on the minus strand). VCF-style: chr2-237344552-G-A. GRCh37 (hg19) VCF-style: chr2-238253195-G-A.
Other names: c.5645C>T, p.Thr1882Ile (NM_057166.5); c.6848C>T, p.Thr2283Ile (NM_057167.4); short protein forms T2283I, T1882I, T2489I.
Identifiers: ClinVar variation 1402935 (VCV001402935.8), dbSNP rs2106324896, ClinGen allele CA351202809.

ClinVar aggregate classification (germline): Uncertain significance (1 of 4 stars; one submission).

Conditions:
Bethlem myopathy 1A. Also called: Bethlem myopathy 1; Bethlem Muscular Dystrophy; MYOPATHY, BENIGN CONGENITAL, WITH CONTRACTURES. Identifiers: Orphanet 610, MedGen CN029274, MONDO:0024530, OMIM 158810.

Submission:

Labcorp Genetics (formerly Invitae), Labcorp
Classification: Uncertain significance for Bethlem myopathy 1A. Last evaluated: 2022-09-01. Review status: criteria provided, single submitter. Criteria: Invitae Variant Classification Sherloc (09022015). Collection method: clinical testing. Allele origin: germline.
Comment: In summary, the available evidence is currently insufficient to determine the role of this variant in disease. Therefore, it has been classified as a Variant of Uncertain Significance. Advanced modeling of protein sequence and biophysical properties (such as structural, functional, and spatial information, amino acid conservation, physicochemical variation, residue mobility, and thermodynamic stability) performed at Invitae indicates that this missense variant is not expected to disrupt COL6A3 protein function. ClinVar contains an entry for this variant (Variation ID: 1402935). This variant has not been reported in the literature in individuals affected with COL6A3-related conditions. This variant is not present in population databases (gnomAD no frequency). This sequence change replaces threonine, which is neutral and polar, with isoleucine, which is neutral and non-polar, at codon 2489 of the COL6A3 protein (p.Thr2489Ile).